The following is an entry in ClinVar:

NM_173598.6(KSR2):c.1383C>T (p.Ile461=)

Gene: KSR2 (kinase suppressor of ras 2; minus strand). Cytogenetic location: 12q24.22.
Variant type: single nucleotide variant.
Coding change: c.1383C>T on transcript NM_173598.6 (MANE Select); coding-DNA position 1383, C replaced by T.
Protein change: p.Ile461=; no amino-acid change (isoleucine 461 retained).
Molecular consequence: synonymous variant.
Genome position (GRCh38, 1-based): chr12:117,558,516, G>A on the plus strand (C>T on the coding strand, the complement: KSR2 is on the minus strand). VCF-style: chr12-117558516-G-A. GRCh37 (hg19) VCF-style: chr12-117996321-G-A.
Identifiers: ClinVar variation 3357586 (VCV003357586.1).

ClinVar aggregate classification (germline): Likely benign (0 of 4 stars; one submission).

Conditions:
KSR2-related disorder. Also called: KSR2-related condition.

gnomAD v4.1: 4 of 1,613,870 alleles (0.00025%); highest among the groups gnomAD compares: African/African-American, 0.0013%; no homozygotes.

Submission:

PreventionGenetics, part of Exact Sciences
Classification: Likely benign for KSR2-related condition. Last evaluated: 2021-04-28. Review status: no assertion criteria provided. Collection method: clinical testing. Allele origin: germline.
Comment: This variant is classified as likely benign based on ACMG/AMP sequence variant interpretation guidelines (Richards et al. 2015 PMID: 25741868, with internal and published modifications).